The following is an entry in ClinVar:

ClinVar aggregate classification (germline): Uncertain significance (1 of 4 stars; one submission).

Conditions:
Inborn genetic diseases. Identifiers: MedGen C0950123, MeSH D030342.

Submission:

Ambry Genetics
Classification: Uncertain significance for Inborn genetic diseases. Last evaluated: 2025-05-27. Review status: criteria provided, single submitter. Criteria: Ambry Variant Classification Scheme 2023. Collection method: clinical testing. Allele origin: germline.
Comment: The p.L224R variant (also known as c.671T>G), located in coding exon 5 of the G6PC3 gene, results from a T to G substitution at nucleotide position 671. The leucine at codon 224 is replaced by arginine, an amino acid with dissimilar properties. This amino acid position is conserved. In addition, this alteration is predicted to be deleterious by in silico analysis. Based on the available evidence, the clinical significance of this variant remains unclear.

NM_138387.4(G6PC3):c.671T>G (p.Leu224Arg)

Gene: G6PC3 (glucose-6-phosphatase catalytic subunit 3; plus strand). Cytogenetic location: 17q21.31.
Variant type: single nucleotide variant.
Coding change: c.671T>G on transcript NM_138387.4 (MANE Select); coding-DNA position 671, T replaced by G.
Protein change: p.Leu224Arg; replaces leucine 224 with arginine.
Molecular consequence: missense variant. On other transcripts: synonymous variant (1).
Genome position (GRCh38, 1-based): chr17:44,075,445, T>G. VCF-style: chr17-44075445-T-G. GRCh37 (hg19) VCF-style: chr17-42152813-T-G.
Other names: c.552T>G, p.Ser184= (NM_001319945.2); c.326T>G, p.Leu109Arg (NM_001384165.1, NM_001384166.1, NM_001384167.1 and 1 more transcripts); short protein forms L109R, L224R.
Identifiers: ClinVar variation 4027614 (VCV004027614.1).